The following is an entry in ClinVar:

NM_000143.4(FH):c.1501G>A (p.Val501Ile)

Gene: FH (fumarate hydratase; minus strand). Cytogenetic location: 1q43.
Variant type: single nucleotide variant.
Coding change: c.1501G>A on transcript NM_000143.4 (MANE Select); coding-DNA position 1501, G replaced by A.
Protein change: p.Val501Ile; replaces valine 501 with isoleucine.
Molecular consequence: missense variant.
Genome position (GRCh38, 1-based): chr1:241,497,860, C>T on the plus strand (G>A on the coding strand, the complement: FH is on the minus strand). VCF-style: chr1-241497860-C-T. GRCh37 (hg19) VCF-style: chr1-241661160-C-T.
Other names: short protein forms V501I.
Identifiers: ClinVar variation 1026013 (VCV001026013.12), dbSNP rs201893992, ClinGen allele CA1478424.

ClinVar aggregate classification (germline): Uncertain significance. Review status: criteria provided, multiple submitters, no conflicts (2 of 4 stars). 3 submissions from 3 submitters: Uncertain significance (3). Last evaluated 2025-11-20.

Conditions:
Fumarase deficiency (FMRD). Also called: Fumaric aciduria; Fumarate Hydratase Deficiency. Identifiers: Orphanet 24, MedGen C0342770, MONDO:0011730, OMIM 606812.
Hereditary cancer-predisposing syndrome. Also called: Hereditary neoplastic syndrome; Neoplastic Syndromes, Hereditary; Tumor predisposition; Hereditary Cancer Syndrome. Identifiers: Orphanet 140162, MedGen C0027672, MeSH D009386, MONDO:0015356.

Allele frequency attached by ClinVar (database versions not stated): gnomAD exomes below 0.00001 and 0.00001; gnomAD 0.00001; ExAC 0.00002; 1000 Genomes Project 0.00020; 1000 Genomes Project 30x 0.00031.
gnomAD v4.1: 3 of 1,612,122 alleles (0.00019%); highest among the groups gnomAD compares: East Asian, 0.0067%; no homozygotes.

Submissions (3):

Labcorp Genetics (formerly Invitae), Labcorp
Classification: Uncertain significance. Last evaluated: 2025-11-20. Review status: criteria provided, single submitter. Criteria: Invitae Variant Classification Sherloc (09022015). Collection method: clinical testing. Allele origin: germline.
Comment: This sequence change replaces valine, which is neutral and non-polar, with isoleucine, which is neutral and non-polar, at codon 501 of the FH protein (p.Val501Ile). This variant is present in population databases (rs201893992, gnomAD 0.01%). This variant has not been reported in the literature in individuals affected with FH-related conditions. ClinVar contains an entry for this variant (Variation ID: 1026013). Invitae Evidence Modeling of protein sequence and biophysical properties (such as structural, functional, and spatial information, amino acid conservation, physicochemical variation, residue mobility, and thermodynamic stability) has been performed for this missense variant. However, the output from this modeling did not meet the statistical confidence thresholds required to predict the impact of this variant on FH protein function. In summary, the available evidence is currently insufficient to determine the role of this variant in disease. Therefore, it has been classified as a Variant of Uncertain Significance.

Ambry Genetics
Classification: Uncertain significance for Hereditary cancer-predisposing syndrome. Last evaluated: 2025-10-07. Review status: criteria provided, single submitter. Criteria: Ambry Variant Classification Scheme 2023. Collection method: clinical testing. Allele origin: germline.
Comment: The p.V501I variant (also known as c.1501G>A), located in coding exon 10 of the FH gene, results from a G to A substitution at nucleotide position 1501. The valine at codon 501 is replaced by isoleucine, an amino acid with highly similar properties. This amino acid position is highly conserved in available vertebrate species. In addition, the in silico prediction for this alteration is inconclusive. Since supporting evidence is limited at this time, the clinical significance of this alteration remains unclear.

Baylor Genetics
Classification: Uncertain significance for Fumarase deficiency. Last evaluated: 2024-03-09. Review status: criteria provided, single submitter. Criteria: ACMG Guidelines, 2015. Collection method: clinical testing. Allele origin: unknown.